The following is an entry in ClinVar:

NM_001129.5(AEBP1):c.1630+1G>A

Gene: AEBP1 (AE binding protein 1; plus strand). Cytogenetic location: 7p13.
Variant type: single nucleotide variant.
Coding change: c.1630+1G>A on transcript NM_001129.5 (MANE Select); the canonical splice donor site of the intron after coding-DNA position 1630, G replaced by A.
Molecular consequence: splice donor variant.
Genome position (GRCh38, 1-based): chr7:44,111,058, G>A. VCF-style: chr7-44111058-G-A. GRCh37 (hg19) VCF-style: chr7-44150657-G-A.
Other names: IVS13DS, G-A, +1 (rs369016031).
Identifiers: ClinVar variation 545021 (VCV000545021.9), dbSNP rs369016031, ClinGen allele CA4237937.

ClinVar aggregate classification (germline): Pathogenic. Review status: criteria provided, multiple submitters, no conflicts (2 of 4 stars). 3 submissions from 3 submitters: Pathogenic (2). 1 of the submissions does not count toward it. Last evaluated 2025-09-02.

Conditions:
Ehlers-Danlos syndrome, classic-like, 2. Identifiers: Orphanet 536532, MedGen C4693870, MONDO:0054813, OMIM 618000.

Allele frequency attached by ClinVar (database versions not stated): gnomAD exomes 0.00001 and 0.00004; ExAC 0.00004; TOPMed 0.00002; 1000 Genomes Project 0.00020; gnomAD 0.00001 and 0.00002; ESP Exome Variant Server 0.00008; 1000 Genomes Project 30x 0.00016.
gnomAD v4.1: 20 of 1,607,640 alleles (0.0012%); highest among the groups gnomAD compares: South Asian, 0.0044%; no homozygotes.

Submissions (3):

GeneDx
Classification: Pathogenic. Last evaluated: 2025-09-02. Review status: criteria provided, single submitter. Criteria: GeneDx Variant Classification Process June 2021. Collection method: clinical testing. Allele origin: germline. Affected: yes.
Comment: RNA studies indicate that this variant causes aberrant splicing and results in a frameshift and premature truncation (PMID: 27023906); Canonical splice site variant predicted to result in a null allele in a gene for which loss of function is a known mechanism of disease; Not observed at significant frequency in large population cohorts (gnomAD); This variant is associated with the following publications: (PMID: 30548383, 37644014, 35583931, 30668708, 30759870, 29606302, 32552793, 27023906)

Labcorp Genetics (formerly Invitae), Labcorp
Classification: Pathogenic. Last evaluated: 2023-06-17. Review status: criteria provided, single submitter. Criteria: Invitae Variant Classification Sherloc (09022015). Collection method: clinical testing. Allele origin: germline.
Comment: For these reasons, this variant has been classified as Pathogenic. Algorithms developed to predict the effect of sequence changes on RNA splicing suggest that this variant may disrupt the consensus splice site. ClinVar contains an entry for this variant (Variation ID: 545021). Disruption of this splice site has been observed in individual(s) with clinical features of AEBP1-related conditions (PMID: 27023906). It has also been observed to segregate with disease in related individuals. This variant is present in population databases (rs369016031, gnomAD 0.01%). This sequence change affects a donor splice site in intron 13 of the AEBP1 gene. It is expected to disrupt RNA splicing. Variants that disrupt the donor or acceptor splice site typically lead to a loss of protein function (PMID: 16199547), and loss-of-function variants in AEBP1 are known to be pathogenic (PMID: 29606302).

OMIM
Classification: Pathogenic for EHLERS-DANLOS SYNDROME, CLASSIC-LIKE, 2. Last evaluated: 2018-05-30. Review status: no assertion criteria provided. Collection method: literature only. Allele origin: germline. Not counted in ClinVar's aggregate classification.

Literature cited by the submitters: PubMed 27023906 (cited by Labcorp Genetics (formerly Invitae), Labcorp and OMIM); PubMed 16199547 (cited by Labcorp Genetics (formerly Invitae), Labcorp); PubMed 29606302 (cited by Labcorp Genetics (formerly Invitae), Labcorp and OMIM).